The following is an entry in ClinVar:

NM_003242.6(TGFBR2):c.1264G>T (p.Ala422Ser)

Gene: TGFBR2 (transforming growth factor beta receptor 2; plus strand). Cytogenetic location: 3p24.1.
Variant type: single nucleotide variant.
Coding change: c.1264G>T on transcript NM_003242.6 (MANE Select); coding-DNA position 1264, G replaced by T.
Protein change: p.Ala422Ser; replaces alanine 422 with serine.
Molecular consequence: missense variant.
Genome position (GRCh38, 1-based): chr3:30,674,114, G>T. VCF-style: chr3-30674114-G-T. GRCh37 (hg19) VCF-style: chr3-30715606-G-T.
Other names: c.1339G>T, p.Ala447Ser (NM_001024847.3); c.1447G>T, p.Ala483Ser (NM_001407126.1); c.1372G>T, p.Ala458Ser (NM_001407127.1); c.1291G>T, p.Ala431Ser (NM_001407128.1); c.1267G>T, p.Ala423Ser (NM_001407129.1); c.1264G>T, p.Ala422Ser (NM_001407130.1); c.1159G>T, p.Ala387Ser (NM_001407132.1, NM_001407133.1, NM_001407134.1 and 2 more transcripts); c.979G>T, p.Ala327Ser (NM_001407137.1); and 1 more; short protein forms A422S, A447S, A458S, A302S, A423S, A327S, A387S, A431S.
Identifiers: ClinVar variation 1172024 (VCV001172024.4), dbSNP rs2125438757, ClinGen allele CA351808888.

ClinVar aggregate classification (germline): Uncertain significance. Review status: criteria provided, multiple submitters, no conflicts (2 of 4 stars). 2 submissions from 2 submitters: Uncertain significance (2). Last evaluated 2025-06-10.

Conditions:
Familial thoracic aortic aneurysm and aortic dissection (TAAD). Also called: Thoracic aortic aneurysms and dissections. Identifiers: Orphanet 91387, MedGen C4707243, MONDO:0019625.

Allele frequency attached by ClinVar (database versions not stated): gnomAD exomes below 0.00001.
gnomAD v4.1: 1 of 1,614,150 alleles (0.000062%); highest among the groups gnomAD compares: Non-Finnish European, 0.000085%; no homozygotes.

Submissions (2):

Ambry Genetics
Classification: Uncertain significance for Familial thoracic aortic aneurysm and aortic dissection. Last evaluated: 2025-06-10. Review status: criteria provided, single submitter. Criteria: Ambry Variant Classification Scheme 2023. Collection method: clinical testing. Allele origin: germline.
Comment: The p.A422S variant (also known as c.1264G>T), located in coding exon 5 of the TGFBR2 gene, results from a G to T substitution at nucleotide position 1264. The alanine at codon 422 is replaced by serine, an amino acid with similar properties. This amino acid position is conserved. In addition, this alteration is predicted to be deleterious by in silico analysis. Based on the available evidence, the clinical significance of this variant remains unclear.

Color Diagnostics, LLC DBA Color Health
Classification: Uncertain significance for Familial thoracic aortic aneurysm and aortic dissection. Last evaluated: 2020-07-28. Review status: criteria provided, single submitter. Criteria: ACMG Guidelines, 2015. Collection method: clinical testing. Allele origin: germline.
Comment: This missense variant replaces alanine with serine at codon 422 of the TGFBR2 protein. Computational prediction is inconclusive regarding the impact of this variant on protein structure and function (internally defined REVEL score threshold 0.5 < inconclusive < 0.7, PMID: 27666373). To our knowledge, functional studies have not been reported for this variant. This variant has not been reported in individuals affected with cardiovascular disorders in the literature. This variant has not been identified in the general population by the Genome Aggregation Database (gnomAD). The available evidence is insufficient to determine the role of this variant in disease conclusively. Therefore, this variant is classified as a Variant of Uncertain Significance.